The following is an entry in ClinVar:

ClinVar aggregate classification (germline): Benign. Review status: criteria provided, multiple submitters, no conflicts (2 of 4 stars). 12 submissions from 12 submitters: Benign (8). 4 of the submissions do not count toward it. Last evaluated 2024-12-09.

Conditions:
Methylmalonic aciduria, cblB type (MACB). Also called: Methylmalonic acidemia cblB type; METHYLMALONIC ACIDURIA, VITAMIN B12-RESPONSIVE, DUE TO DEFECT IN SYNTHESIS OF ADENOSYLCOBALAMIN, cblB TYPE; Vitamin B12-responsive methylmalonic acidemia type cblB. Identifiers: Orphanet 28, Orphanet 79311, MedGen C1855102, MONDO:0009614, OMIM 251110.

Allele frequency attached by ClinVar (database versions not stated): gnomAD 0.30802 and 0.31358; 1000 Genomes Project 0.28494; 1000 Genomes Project 30x 0.28467; ESP Exome Variant Server 0.30914; TOPMed 0.31379.
gnomAD v4.1: 434,694 of 1,607,664 alleles (27%); highest among the groups gnomAD compares: African/African-American, 41%; 60,800 homozygotes.

Submissions (12):

Labcorp Genetics (formerly Invitae), Labcorp
Classification: Benign for Methylmalonic aciduria, cblB type. Last evaluated: 2024-12-09. Review status: criteria provided, single submitter. Criteria: Invitae Variant Classification Sherloc (09022015). Collection method: clinical testing. Allele origin: germline.

Mayo Clinic Laboratories, Mayo Clinic
Classification: Benign. Last evaluated: 2022-03-31. Review status: criteria provided, single submitter. Criteria: ACMG Guidelines, 2015. Collection method: clinical testing. Allele origin: germline. Observed: 53 variant alleles.

Illumina Laboratory Services, Illumina
Classification: Benign for Methylmalonic aciduria, cblB type. Last evaluated: 2018-01-12. Review status: criteria provided, single submitter. Criteria: ICSL Variant Classification Criteria 13 December 2019. Collection method: clinical testing. Allele origin: germline.
Comment: This variant was observed in the ICSL laboratory as part of a predisposition screen in an ostensibly healthy population. It had not been previously curated by ICSL or reported in the Human Gene Mutation Database (HGMD: prior to June 1st, 2018), and was therefore a candidate for classification through an automated scoring system. Utilizing variant allele frequency, disease prevalence and penetrance estimates, and inheritance mode, an automated score was calculated to assess if this variant is too frequent to cause the disease. Based on the score and internal cut-off values, a variant classified as benign is not then subjected to further curation. The score for this variant resulted in a classification of benign for this disease.

Eurofins Ntd Llc (ga)
Classification: Benign. Last evaluated: 2016-08-19. Review status: criteria provided, single submitter. Criteria: EGL Classification Definitions 2015. Collection method: clinical testing. Allele origin: germline. Observed: 17 variant alleles, 13 heterozygotes, 4 homozygotes.

Laboratory for Molecular Medicine, Mass General Brigham Personalized Medicine
Classification: Benign. Last evaluated: 2016-03-28. Review status: criteria provided, single submitter. Criteria: LMM Criteria. Collection method: clinical testing. Allele origin: germline.
Comment: Variant identified in a genome or exome case(s) and assessed due to predicted null impact of the variant or pathogenic assertions in the literature or databases. Disclaimer: This variant has not undergone full assessment. The following are preliminary notes: MAF

GeneDx
Classification: Benign. Last evaluated: 2015-03-03. Review status: criteria provided, single submitter. Criteria: GeneDx Variant Classification Process June 2021. Collection method: clinical testing. Allele origin: germline. Affected: yes.

Breakthrough Genomics
Classification: Benign. Review status: criteria provided, single submitter. Criteria: ACMG Guidelines, 2015. Collection method: not provided. Allele origin: germline. Inheritance: Autosomal recessive inheritance. Affected: yes.

PreventionGenetics, part of Exact Sciences
Classification: Benign. Review status: criteria provided, single submitter. Criteria: ACMG Guidelines, 2015. Collection method: clinical testing. Allele origin: germline.

Natera, Inc.
Classification: Benign for Methylmalonic aciduria cblB type. Last evaluated: 2020-09-16. Review status: no assertion criteria provided. Collection method: clinical testing. Allele origin: germline. Not counted in ClinVar's aggregate classification.

Clinical Genetics, Academic Medical Center
Classification: Benign. Review status: no assertion criteria provided. Collection method: clinical testing. Allele origin: germline. Affected: yes. Study: VKGL Data-share Consensus. Not counted in ClinVar's aggregate classification.

Diagnostic Laboratory, Department of Genetics, University Medical Center Groningen
Classification: Benign for Methylmalonic aciduria, cblB type. Review status: no assertion criteria provided. Collection method: clinical testing. Allele origin: germline. Affected: yes. Study: VKGL Data-share Consensus. Not counted in ClinVar's aggregate classification.

Genome Diagnostics Laboratory, University Medical Center Utrecht
Classification: Likely benign. Review status: no assertion criteria provided. Collection method: clinical testing. Allele origin: germline. Affected: yes. Study: VKGL Data-share Consensus. Not counted in ClinVar's aggregate classification.

NM_052845.4(MMAB):c.57C>A (p.Arg19=)

Genes: MMAB (metabolism of cobalamin associated B; minus strand), MVK (mevalonate kinase; plus strand). Cytogenetic location: 12q24.11.
Variant type: single nucleotide variant.
Coding change: c.57C>A on transcript NM_052845.4 (MANE Select); coding-DNA position 57, C replaced by A.
Protein change: p.Arg19=; no amino-acid change (arginine 19 retained).
Molecular consequence: synonymous variant. On other transcripts: non-coding transcript variant (1).
Genome position (GRCh38, 1-based): chr12:109,573,424, G>T on the plus strand (C>A on the coding strand, the complement: MMAB is on the minus strand). VCF-style: chr12-109573424-G-T. GRCh37 (hg19) VCF-style: chr12-110011229-G-T.
Other names: p.Arg19=.
Identifiers: ClinVar variation 262247 (VCV000262247.26), dbSNP rs10774774, ClinGen allele CA6779075.